The following is an entry in ClinVar:

NM_004944.4(DNASE1L3):c.320+4_320+7del

Gene: DNASE1L3 (deoxyribonuclease 1L3; minus strand). Cytogenetic location: 3p14.3.
Variant type: Microsatellite.
Coding change: c.320+4_320+7del on transcript NM_004944.4 (MANE Select); bases 4 to 7 of the intron after coding-DNA position 320, 4 bases deleted (AGTA; older notation c.320+4_320+7delAGTA).
Molecular consequence: splice donor variant. On other transcripts: intron variant (1).
Genome position (GRCh38, 1-based): chr3:58,205,464-58,205,467, TACT deleted on the plus strand (AGTA on the coding strand, the reverse complement: DNASE1L3 is on the minus strand); deleting any 4 consecutive bases within chr3:58,205,464-58,205,472 gives the same sequence; the c. name uses the placement nearest the transcript's 3' end. VCF-style (leftmost placement, unchanged base first): chr3-58205463-ATACT-A. GRCh37 (hg19) VCF-style: chr3-58191190-ATACT-A.
Other names: c.231-586_231-583del (NM_001256560.2).
Identifiers: ClinVar variation 3720518 (VCV003720518.2).

ClinVar aggregate classification (germline): Likely pathogenic (1 of 4 stars; one submission).

Submission:

Labcorp Genetics (formerly Invitae), Labcorp
Classification: Likely pathogenic. Last evaluated: 2024-05-16. Review status: criteria provided, single submitter. Criteria: Invitae Variant Classification Sherloc (09022015). Collection method: clinical testing. Allele origin: germline.
Comment: This sequence change falls in intron 3 of the DNASE1L3 gene. It does not directly change the encoded amino acid sequence of the DNASE1L3 protein. RNA analysis indicates that this variant induces altered splicing and likely results in a shortened protein product. This variant is present in population databases (rs766912371, gnomAD 0.007%). This variant has been observed in individual(s) with pediatric onset systemic lupus erythematosus (PMID: 23666765). It has also been observed to segregate with disease in related individuals. Variants that disrupt the consensus splice site are a relatively common cause of aberrant splicing (PMID: 17576681, 9536098). Studies have shown that this variant results in skipping of exon 3, but is expected to preserve the integrity of the reading-frame (PMID: 23666765). In summary, the currently available evidence indicates that the variant is pathogenic, but additional data are needed to prove that conclusively. Therefore, this variant has been classified as Likely Pathogenic.

Literature cited by the submitters: PubMed 23666765; PubMed 17576681; PubMed 9536098.